The following is an entry in ClinVar:

NM_001366385.1(CARD14):c.1266G>C (p.Glu422Asp)

Gene: CARD14 (caspase recruitment domain family member 14; plus strand). Cytogenetic location: 17q25.3.
Variant type: single nucleotide variant.
Coding change: c.1266G>C on transcript NM_001366385.1 (MANE Select); coding-DNA position 1266, G replaced by C.
Protein change: p.Glu422Asp; replaces glutamic acid 422 with aspartic acid.
Molecular consequence: missense variant. On other transcripts: non-coding transcript variant (1).
Genome position (GRCh38, 1-based): chr17:80,192,529, G>C. VCF-style: chr17-80192529-G-C. GRCh37 (hg19) VCF-style: chr17-78166328-G-C.
Other names: c.1266G>C, p.Glu422Asp (NM_001257970.1, NM_024110.4); c.555G>C, p.Glu185Asp (NM_052819.3); short protein forms E185D, E422D.
Identifiers: ClinVar variation 2930389 (VCV002930389.3), dbSNP rs773556389, ClinGen allele CA401347423.

ClinVar aggregate classification (germline): Uncertain significance (1 of 4 stars; one submission).

Conditions:
Pityriasis rubra pilaris (PRP). Also called: Pityriasis rubra pilaris--familial type. Identifiers: Orphanet 2897, MedGen C0032027, MONDO:0100017, OMIM 173200, MONDO:0008251.
Psoriasis 2. Identifiers: MedGen C1864497, MONDO:0011269, OMIM 602723.

gnomAD v4.1: 2 of 1,613,822 alleles (0.00012%); highest among the groups gnomAD compares: Admixed American, 0.0033%; no homozygotes.

Submission:

Labcorp Genetics (formerly Invitae), Labcorp
Classification: Uncertain significance for Pityriasis rubra pilaris; Psoriasis 2. Last evaluated: 2024-10-11. Review status: criteria provided, single submitter. Criteria: Invitae Variant Classification Sherloc (09022015). Collection method: clinical testing. Allele origin: germline.
Comment: This sequence change replaces glutamic acid, which is acidic and polar, with aspartic acid, which is acidic and polar, at codon 422 of the CARD14 protein (p.Glu422Asp). This variant is present in population databases (no rsID available, gnomAD 0.003%). This variant has not been reported in the literature in individuals affected with CARD14-related conditions. Invitae Evidence Modeling of protein sequence and biophysical properties (such as structural, functional, and spatial information, amino acid conservation, physicochemical variation, residue mobility, and thermodynamic stability) indicates that this missense variant is not expected to disrupt CARD14 protein function with a negative predictive value of 95%. In summary, the available evidence is currently insufficient to determine the role of this variant in disease. Therefore, it has been classified as a Variant of Uncertain Significance.